The following is an entry in ClinVar:

ClinVar aggregate classification (germline): Likely pathogenic (1 of 4 stars; one submission).

Conditions:
Smith-Lemli-Opitz syndrome (SLOS). Also called: LETHAL ACRODYSGENITAL SYNDROME; POLYDACTYLY, SEX REVERSAL, RENAL HYPOPLASIA, AND UNILOBAR LUNG; RSH SYNDROME; RUTLEDGE LETHAL MULTIPLE CONGENITAL ANOMALY SYNDROME; 7-Dehydrocholesterol reductase deficiency. Identifiers: Orphanet 818, MedGen C0175694, MONDO:0010035, OMIM 270400.

Submission:

Myriad Genetics, Inc.
Classification: Likely pathogenic for Smith-Lemli-Opitz syndrome. Last evaluated: 2022-02-02. Review status: criteria provided, single submitter. Criteria: Myriad Women's Health Autosomal Recessive and X-Linked Classification Criteria (2021). Collection method: clinical testing. Allele origin: unknown.
Comment: NM_001360.2(DHCR7):c.155_157delTCAinsCCAT(F52Sfs*11) is expected to be pathogenic in the context of Smith-Lemli-Opitz syndrome. This variant is predicted to lead to an abnormal or absent protein product due to the creation of a premature termination codon in DHCR7, a gene where loss-of-function variants are known to be pathogenic. Please note: this variant was assessed in the context of healthy population screening.

NM_001360.3(DHCR7):c.155_157delinsCCAT (p.Phe52fs)

Gene: DHCR7 (7-dehydrocholesterol reductase; minus strand). Cytogenetic location: 11q13.4.
Variant type: Indel.
Coding change: c.155_157delinsCCAT on transcript NM_001360.3 (MANE Select); coding-DNA positions 155 to 157, TCA replaced by CCAT.
Protein change: p.Phe52fs; shifts the reading frame from phenylalanine 52.
Molecular consequence: frameshift variant.
Genome position (GRCh38, 1-based): chr11:71,444,157-71,444,159, TGA replaced by ATGG on the plus strand (TCA replaced by CCAT on the coding strand, the reverse complement: DHCR7 is on the minus strand). VCF-style: chr11-71444157-TGA-ATGG. GRCh37 (hg19) VCF-style: chr11-71155203-TGA-ATGG.
Other names: c.155_157delinsCCAT, p.Phe52fs (NM_001163817.2); short protein forms F52fs.
Identifiers: ClinVar variation 1724221 (VCV001724221.2), dbSNP rs2539236911, ClinGen allele CA2580084827.
Genomic context (GRCh38, chr11:71,444,157, plus strand): 5'-CCACAGGGCCAGTCAGGGCGCAGCTGTACTGGTCACAAGCCATGATGAAGTAGTAGACGA[TGA>ATGG]AGGGGGCGAACAGCAGTAGGAAGATGACGCTCGCCAGTGAAAACCAGTCCACCTCCCTGC-3'